The following is an entry in ClinVar:

ClinVar aggregate classification (germline): Uncertain significance (1 of 4 stars; one submission).

Allele frequency attached by ClinVar (database versions not stated): gnomAD exomes below 0.00001.
gnomAD v4.1: 1 of 1,612,872 alleles (0.000062%); highest among the groups gnomAD compares: Non-Finnish European, 0.000085%; no homozygotes.

Submission:

Labcorp Genetics (formerly Invitae), Labcorp
Classification: Uncertain significance. Last evaluated: 2023-05-23. Review status: criteria provided, single submitter. Criteria: Invitae Variant Classification Sherloc (09022015). Collection method: clinical testing. Allele origin: germline.
Comment: This variant is not present in population databases (gnomAD no frequency). This sequence change replaces serine, which is neutral and polar, with threonine, which is neutral and polar, at codon 1010 of the ANLN protein (p.Ser1010Thr). This variant has not been reported in the literature in individuals affected with ANLN-related conditions. In summary, the available evidence is currently insufficient to determine the role of this variant in disease. Therefore, it has been classified as a Variant of Uncertain Significance. Advanced modeling of protein sequence and biophysical properties (such as structural, functional, and spatial information, amino acid conservation, physicochemical variation, residue mobility, and thermodynamic stability) performed at Invitae indicates that this missense variant is not expected to disrupt ANLN protein function.

NM_018685.5(ANLN):c.3028T>A (p.Ser1010Thr)

Gene: ANLN (anillin, actin binding protein; plus strand). Cytogenetic location: 7p14.2.
Variant type: single nucleotide variant.
Coding change: c.3028T>A on transcript NM_018685.5 (MANE Select); coding-DNA position 3028, T replaced by A.
Protein change: p.Ser1010Thr; replaces serine 1010 with threonine.
Molecular consequence: missense variant.
Genome position (GRCh38, 1-based): chr7:36,443,812, T>A. VCF-style: chr7-36443812-T-A. GRCh37 (hg19) VCF-style: chr7-36483421-T-A.
Other names: c.2917T>A, p.Ser973Thr (NM_001284301.3); c.2914T>A, p.Ser972Thr (NM_001284302.3); short protein forms S1010T, S973T, S972T.
Identifiers: ClinVar variation 2862828 (VCV002862828.3), dbSNP rs2534738488, ClinGen allele CA367198808.
Genomic context (GRCh38, chr7:36,443,812, plus strand): 5'-CAGACCATATTTGAAGATGTTAGTGGTTTTGGTGCCTGGCATCGAAGATGGTGTGTTCTT[T>A]CTGGAAACTGTATATCTTATTGGACTTATCCAGATGATGAGAAACGCAAGGTAATTTATA-3'
Protein context (NP_061155.2, residues 1000-1020): GAWHRRWCVL[Ser1010Thr]GNCISYWTYP